The following is an entry in ClinVar:

NM_014956.5(CEP164):c.985A>T (p.Thr329Ser)

Gene: CEP164 (centrosomal protein 164; plus strand). Cytogenetic location: 11q23.3.
Variant type: single nucleotide variant.
Coding change: c.985A>T on transcript NM_014956.5 (MANE Select); coding-DNA position 985, A replaced by T.
Protein change: p.Thr329Ser; replaces threonine 329 with serine.
Molecular consequence: missense variant.
Genome position (GRCh38, 1-based): chr11:117,371,299, A>T. VCF-style: chr11-117371299-A-T. GRCh37 (hg19) VCF-style: chr11-117242015-A-T.
Other names: c.985A>T, p.Thr329Ser (NM_001271933.2); short protein forms T329S.
Identifiers: ClinVar variation 1974594 (VCV001974594.5), dbSNP rs760876740, ClinGen allele CA382737585.

ClinVar aggregate classification (germline): Uncertain significance (1 of 4 stars; one submission).

Conditions:
Nephronophthisis 15 (NPHP15). Identifiers: Orphanet 3156, MedGen C3541853, MONDO:0013917, OMIM 614845.

Submission:

Labcorp Genetics (formerly Invitae), Labcorp
Classification: Uncertain significance for Nephronophthisis 15. Last evaluated: 2022-10-13. Review status: criteria provided, single submitter. Criteria: Invitae Variant Classification Sherloc (09022015). Collection method: clinical testing. Allele origin: germline.
Comment: In summary, the available evidence is currently insufficient to determine the role of this variant in disease. Therefore, it has been classified as a Variant of Uncertain Significance. Algorithms developed to predict the effect of missense changes on protein structure and function (SIFT, PolyPhen-2, Align-GVGD) all suggest that this variant is likely to be tolerated. This variant has not been reported in the literature in individuals affected with CEP164-related conditions. This variant is not present in population databases (gnomAD no frequency). This sequence change replaces threonine, which is neutral and polar, with serine, which is neutral and polar, at codon 329 of the CEP164 protein (p.Thr329Ser).